The following is an entry in ClinVar:

NM_001177316.2(SLC34A3):c.1273A>G (p.Thr425Ala)

Gene: SLC34A3 (solute carrier family 34 member 3; plus strand). Cytogenetic location: 9q34.3.
Variant type: single nucleotide variant.
Coding change: c.1273A>G on transcript NM_001177316.2 (MANE Select); coding-DNA position 1273, A replaced by G.
Protein change: p.Thr425Ala; replaces threonine 425 with alanine.
Molecular consequence: missense variant.
Genome position (GRCh38, 1-based): chr9:137,234,669, A>G. VCF-style: chr9-137234669-A-G. GRCh37 (hg19) VCF-style: chr9-140129121-A-G.
Other names: c.1273A>G, p.Thr425Ala (NM_001177317.2, NM_080877.3); short protein forms T425A.
Identifiers: ClinVar variation 3066381 (VCV003066381.1), dbSNP rs2538815435, ClinGen allele CA375738076.

ClinVar aggregate classification (germline): Uncertain significance (1 of 4 stars; one submission).

Conditions:
Autosomal recessive hypophosphatemic bone disease (HHRH). Also called: Hypophosphatemic rickets with hypercalciuria; HYPERCALCIURIC RICKETS. Identifiers: Orphanet 157215, MedGen C1853271, MONDO:0009431, OMIM 241530.

Submission:

MVZ Medizinische Genetik Mainz
Classification: Uncertain significance for Autosomal recessive hypophosphatemic bone disease. Last evaluated: 2022-11-10. Review status: criteria provided, single submitter. Criteria: UK Practice Guidelines For Variant Classification V4 01 2020. Collection method: clinical testing. Allele origin: germline. Inheritance: Autosomal dominant inheritance. Affected: yes. Observed: 1 variant allele.
Comment: ACMG Criteria: PM2_SUP, PP3